The following is an entry in ClinVar:

ClinVar aggregate classification (germline): Pathogenic (1 of 4 stars; one submission).

Conditions:
Nemaline myopathy 2 (NEM2). Also called: Nemaline myopathy 2, autosomal recessive. Identifiers: MedGen C1850569, MONDO:0009725, OMIM 256030.

Submission:

Labcorp Genetics (formerly Invitae), Labcorp
Classification: Pathogenic for Nemaline myopathy 2. Last evaluated: 2022-05-05. Review status: criteria provided, single submitter. Criteria: Invitae Variant Classification Sherloc (09022015). Collection method: clinical testing. Allele origin: germline.
Comment: This sequence change creates a premature translational stop signal (p.Glu640_Lys641delinsAsp*) in the NEB gene. It is expected to result in an absent or disrupted protein product. Loss-of-function variants in NEB are known to be pathogenic (PMID: 25205138). Information on the frequency of this variant in the gnomAD database is not available, as this variant may be reported differently in the database. This variant has not been reported in the literature in individuals affected with NEB-related conditions. For these reasons, this variant has been classified as Pathogenic.

Literature cited by the submitters: PubMed 25205138.

NM_001164508.2(NEB):c.1920_1921delinsTT (p.Glu640_Lys641delinsAspTer)

Gene: NEB (nebulin; minus strand). Cytogenetic location: 2q23.3.
Variant type: Indel.
Coding change: c.1920_1921delinsTT on transcript NM_001164508.2 (MANE Select); coding-DNA positions 1920 to 1921, GA replaced by TT.
Protein change: p.Glu640_Lys641delinsAspTer.
Molecular consequence: nonsense.
Genome position (GRCh38, 1-based): chr2:151,692,338-151,692,339, TC replaced by AA on the plus strand (GA replaced by TT on the coding strand, the reverse complement: NEB is on the minus strand). VCF-style: chr2-151692338-TC-AA. GRCh37 (hg19) VCF-style: chr2-152548852-TC-AA.
Other names: c.1920_1921delinsTT, p.Glu640_Lys641delinsAspTer (NM_001164507.2, NM_001271208.2, NM_004543.5).
Identifiers: ClinVar variation 1935417 (VCV001935417.5), dbSNP rs2552267932, ClinGen allele CA2580064094.
Genomic context (GRCh38, chr2:151,692,338, plus strand): 5'-GCTGAGTATCAAGTTGATATTTTGGGGTCTCACAGTAATTCATACTCTTTGCCTTTGTCT[TC>AA]TCATAGTTTTCCTTGTATAATCTCTGTTAAAGGAAAAATAAATTAAACCAAAAAGAAAGA-3'